The following is an entry in ClinVar:

ClinVar aggregate classification (germline): Pathogenic. Review status: reviewed by expert panel (3 of 4 stars). 8 submissions from 8 submitters: Pathogenic (1). 7 of the submissions do not count toward it. Last evaluated 2016-09-08.

Conditions:
Hereditary cancer-predisposing syndrome. Also called: Tumor predisposition; Hereditary neoplastic syndrome; Hereditary Cancer Syndrome; Neoplastic Syndromes, Hereditary. Identifiers: Orphanet 140162, MedGen C0027672, MeSH D009386, MONDO:0015356.
Hereditary breast ovarian cancer syndrome. Also called: Hereditary breast and/or ovarian cancer syndrome; Breast and ovarian cancer; Hereditary breast and ovarian cancer syndrome; Hereditary breast and ovarian cancer; Hereditary breast and ovarian cancer syndrome (HBOC); BRCA1- and BRCA2-Associated Hereditary Breast and Ovarian Cancer. Identifiers: Orphanet 145, MedGen C0677776, MeSH D061325, MONDO:0003582. Disease mechanism: loss of function.
Breast-ovarian cancer, familial, susceptibility to, 1 (BROVCA1). Also called: BRCA1 Hereditary Breast and Ovarian Cancer; OVARIAN CANCER, SUSCEPTIBILITY TO. Identifiers: Orphanet 145, MedGen C2676676, MONDO:0011450, OMIM 604370. Disease mechanism: loss of function.
Familial cancer of breast. Also called: Hereditary breast cancer; hereditary breast carcinoma; BREAST CANCER, FAMILIAL. Identifiers: Orphanet 227535, MedGen C0346153, MONDO:0016419, OMIM 114480. Disease mechanism: loss of function.

Submissions (8):

Evidence-based Network for the Interpretation of Germline Mutant Alleles (ENIGMA)
Classification: Pathogenic for Breast-ovarian cancer, familial, susceptibility to, 1. Last evaluated: 2016-09-08. Review status: reviewed by expert panel. Criteria: ENIGMA BRCA1/2 Classification Criteria (2015). Collection method: curation. Allele origin: germline.
Comment: Variant allele predicted to encode a truncated non-functional protein.

Center for Genomic Medicine, Rigshospitalet, Copenhagen University Hospital
Classification: Pathogenic. Last evaluated: 2025-12-29. Review status: criteria provided, single submitter. Criteria: ACMG Guidelines, 2015. Collection method: clinical testing. Allele origin: germline. Not counted in ClinVar's aggregate classification.

Department of Clinical Genetics, Copenhagen University Hospital, Rigshospitalet
Classification: Pathogenic for Familial cancer of breast. Last evaluated: 2025-11-11. Review status: criteria provided, single submitter. Criteria: ACMG Guidelines, 2015. Collection method: clinical testing. Allele origin: germline. Not counted in ClinVar's aggregate classification.
Comment: The following ACMG criteria has been used: PM2_SUP; PVS1; PM5_Strong (PTC)

Ambry Genetics
Classification: Pathogenic for Hereditary cancer-predisposing syndrome. Last evaluated: 2025-03-27. Review status: criteria provided, single submitter. Criteria: Ambry Variant Classification Scheme 2023. Collection method: clinical testing. Allele origin: germline. Not counted in ClinVar's aggregate classification.
Comment: The c.3874delT pathogenic mutation, located in coding exon 9 of the BRCA1 gene, results from a deletion of one nucleotide at nucleotide position 3874, causing a translational frameshift with a predicted alternate stop codon (p.S1292Lfs*15). This alteration is expected to result in loss of function by premature protein truncation or nonsense-mediated mRNA decay. As such, this alteration is interpreted as a disease-causing mutation.

Consortium of Investigators of Modifiers of BRCA1/2 (CIMBA), c/o University of Cambridge
Classification: Pathogenic for Breast-ovarian cancer, familial, susceptibility to, 1. Last evaluated: 2015-10-02. Review status: criteria provided, single submitter. Criteria: CIMBA Mutation Classification guidelines May 2016. Collection method: clinical testing. Allele origin: germline. Not counted in ClinVar's aggregate classification.

Department of Medical Genetics, Oslo University Hospital
Classification: Pathogenic for Breast-ovarian cancer, familial, susceptibility to, 1. Last evaluated: 2015-07-01. Review status: criteria provided, single submitter. Criteria: ACMG Guidelines, 2015. Collection method: clinical testing. Allele origin: germline. Affected: yes. Observed: 7 variant alleles. Not counted in ClinVar's aggregate classification.

BRCAlab, Lund University
Classification: Pathogenic for Breast-ovarian cancer, familial, susceptibility to, 1. Last evaluated: 2020-03-02. Review status: no assertion criteria provided. Collection method: clinical testing. Allele origin: germline. Affected: yes. Not counted in ClinVar's aggregate classification.

Labcorp Genetics (formerly Invitae), Labcorp
Classification: Pathogenic for BRCA1 and BRCA2 Hereditary Breast and Ovarian Cancer. Last evaluated: 2014-06-11. Review status: no assertion criteria provided. Collection method: clinical testing. Allele origin: germline. Affected: yes. Not counted in ClinVar's aggregate classification.
Comment: The interpretation for this sequence variant was made by Invitae based on the ACMG guidelines. A more detailed explanation of the interpretation for this specific variant is forthcoming. This ClinVar entry will be updated at that time.

Literature cited by the submitters: PubMed 29339979 (cited by Center for Genomic Medicine, Rigshospitalet, Copenhagen University Hospital).

NM_007294.4(BRCA1):c.3874del (p.Ser1292fs)

Genes: BRCA1 (BRCA1 DNA repair associated; minus strand), LOC126862571 (BRD4-independent group 4 enhancer GRCh37_chr17:41243136-41244335; plus strand). Cytogenetic location: 17q21.31.
Variant type: Deletion.
Coding change: c.3874del on transcript NM_007294.4 (MANE Select); coding-DNA position 3874, one base deleted (T; older notation c.3874delT).
Protein change: p.Ser1292fs; shifts the reading frame from serine 1292.
Molecular consequence: frameshift variant. On other transcripts: intron variant (135).
Genome position (GRCh38, 1-based): chr17:43,091,657, A deleted on the plus strand (T on the coding strand, the reverse complement: BRCA1 is on the minus strand); the first of 2 consecutive A bases (chr17:43,091,657-43,091,658); deleting either gives the same sequence. VCF-style (leftmost placement, unchanged base first): chr17-43091656-GA-G. GRCh37 (hg19) VCF-style: chr17-41243673-GA-G.
Other names: c.3874delT (NM_007294.3); c.3661del, p.Ser1221fs (NM_001407571.1, NM_001407853.1, NM_001407894.1 and 9 more transcripts); c.3874del, p.Ser1292fs (NM_001407581.1, NM_001407582.1, NM_001407583.1 and 30 more transcripts); c.3871del, p.Ser1291fs (NM_001407587.1, NM_001407590.1, NM_001407591.1 and 22 more transcripts); c.3865del, p.Ser1289fs (NM_001407646.1, NM_001407647.1); c.3751del, p.Ser1251fs (NM_001407648.1, NM_001407664.1, NM_001407665.1 and 19 more transcripts); c.3748del, p.Ser1250fs (NM_001407649.1, NM_001407670.1, NM_001407671.1 and 11 more transcripts); c.3796del, p.Ser1266fs (NM_001407653.1, NM_001407654.1, NM_001407655.1 and 4 more transcripts); and 42 more; short protein forms S1245fs, S1292fs, S1165fs, S1181fs, S1244fs, S1251fs, S996fs, S1124fs.
Identifiers: ClinVar variation 136086 (VCV000136086.17), dbSNP rs587780802, ClinGen allele CA002496.